The following is an entry in ClinVar:

ClinVar aggregate classification (germline): Benign (1 of 4 stars; one submission).

Conditions:
Tuberous sclerosis 2 (TSC2). Identifiers: Orphanet 805, MedGen C1860707, MONDO:0013199, OMIM 613254.

Submission:

Myriad Genetics, Inc.
Classification: Benign for Tuberous sclerosis 2. Last evaluated: 2025-05-14. Review status: criteria provided, single submitter. Criteria: Myriad Autosomal Dominant, Autosomal Recessive and X-Linked Classification Criteria (2023). Collection method: clinical testing. Allele origin: unknown.
Comment: This variant is considered benign. This variant is a silent/synonymous amino acid change and it is not expected to impact splicing.

NM_000548.5(TSC2):c.1398G>C (p.Leu466=)

Gene: TSC2 (TSC complex subunit 2; plus strand). Cytogenetic location: 16p13.3.
Variant type: single nucleotide variant.
Coding change: c.1398G>C on transcript NM_000548.5 (MANE Select); coding-DNA position 1398, G replaced by C.
Protein change: p.Leu466=; no amino-acid change (leucine 466 retained).
Molecular consequence: synonymous variant. On other transcripts: non-coding transcript variant (5), intron variant (1).
Genome position (GRCh38, 1-based): chr16:2,063,008, G>C. VCF-style: chr16-2063008-G-C. GRCh37 (hg19) VCF-style: chr16-2113009-G-C.
Other names: c.54G>C, p.Leu18= (NM_001406690.1, NM_001406691.1, NM_001406692.1 and 6 more transcripts); c.1398G>C, p.Leu466= (NM_021055.3, NM_001077183.3, NM_001114382.3 and 6 more transcripts); c.-160+408G>C (NM_001406698.1); c.1287G>C, p.Leu429= (NM_001318827.2, NM_001406670.1, NM_001406678.1); c.1251G>C, p.Leu417= (NM_001318829.2, NM_001406675.1, NM_001406676.1 and 1 more transcripts); c.798G>C, p.Leu266= (NM_001318831.2, NM_001406680.1, NM_001406682.1 and 6 more transcripts); c.1431G>C, p.Leu477= (NM_001318832.2); c.1488G>C, p.Leu496= (NM_001406667.1, NM_001406668.1); and 3 more.
Identifiers: ClinVar variation 4071148 (VCV004071148.1).